The following is an entry in ClinVar:

ClinVar aggregate classification (germline): Uncertain significance (1 of 4 stars; one submission).

Conditions:
Emery-Dreifuss muscular dystrophy 5, autosomal dominant (EDMD5). Also called: EMERY-DREIFUSS MUSCULAR DYSTROPHY 5. Identifiers: Orphanet 261, MedGen C2751805, MONDO:0013072, OMIM 612999.

Submission:

Labcorp Genetics (formerly Invitae), Labcorp
Classification: Uncertain significance for Emery-Dreifuss muscular dystrophy 5, autosomal dominant. Last evaluated: 2019-10-03. Review status: criteria provided, single submitter. Criteria: Invitae Variant Classification Sherloc (09022015). Collection method: clinical testing. Allele origin: germline.
Comment: This sequence change replaces histidine with tyrosine at codon 393 of the SYNE2 protein (p.His393Tyr). The histidine residue is weakly conserved and there is a moderate physicochemical difference between histidine and tyrosine. This variant is not present in population databases (ExAC no frequency). This variant has not been reported in the literature in individuals with SYNE2-related conditions. Algorithms developed to predict the effect of missense changes on protein structure and function output the following: SIFT: "Tolerated"; PolyPhen-2: "Benign"; Align-GVGD: "Class C0". The tyrosine amino acid residue is found in multiple mammalian species, suggesting that this missense change does not adversely affect protein function. These predictions have not been confirmed by published functional studies and their clinical significance is uncertain. In summary, the available evidence is currently insufficient to determine the role of this variant in disease. Therefore, it has been classified as a Variant of Uncertain Significance.

NM_182914.3(SYNE2):c.1177C>T (p.His393Tyr)

Gene: SYNE2 (spectrin repeat containing nuclear envelope protein 2; plus strand). Cytogenetic location: 14q23.2.
Variant type: single nucleotide variant.
Coding change: c.1177C>T on transcript NM_182914.3 (MANE Select); coding-DNA position 1177, C replaced by T.
Protein change: p.His393Tyr; replaces histidine 393 with tyrosine.
Molecular consequence: missense variant.
Genome position (GRCh38, 1-based): chr14:63,976,611, C>T. VCF-style: chr14-63976611-C-T. GRCh37 (hg19) VCF-style: chr14-64443329-C-T.
Other names: c.1177C>T, p.His393Tyr (NM_015180.6); short protein forms H393Y.
Identifiers: ClinVar variation 971328 (VCV000971328.9), dbSNP rs2096545410, ClinGen allele CA389955112.